The following is an entry in ClinVar:

ClinVar aggregate classification (germline): Uncertain significance. Review status: criteria provided, multiple submitters, no conflicts (2 of 4 stars). 2 submissions from 2 submitters: Uncertain significance (2). Last evaluated 2025-07-31.

Conditions:
Hereditary cancer-predisposing syndrome. Also called: Hereditary neoplastic syndrome; Neoplastic Syndromes, Hereditary; Tumor predisposition; Hereditary Cancer Syndrome. Identifiers: Orphanet 140162, MedGen C0027672, MeSH D009386, MONDO:0015356.
Carney complex, type 1 (CNC1). Also called: CARNEY COMPLEX, TYPE I; CARNEY MYXOMA-ENDOCRINE COMPLEX. Identifiers: Orphanet 1359, MedGen C2607929, MONDO:0008057, OMIM 160980.

Allele frequency attached by ClinVar (database versions not stated): TOPMed below 0.00001; gnomAD 0.00001; gnomAD exomes 0.00001.
gnomAD v4.1: 14 of 1,613,248 alleles (0.00087%); highest among the groups gnomAD compares: East Asian, 0.0022%; no homozygotes.

Submissions (2):

Ambry Genetics
Classification: Uncertain significance for Hereditary cancer-predisposing syndrome. Last evaluated: 2025-07-31. Review status: criteria provided, single submitter. Criteria: Ambry Variant Classification Scheme 2023. Collection method: clinical testing. Allele origin: germline.
Comment: The p.A8T variant (also known as c.22G>A), located in coding exon 1 of the PRKAR1A gene, results from a G to A substitution at nucleotide position 22. The alanine at codon 8 is replaced by threonine, an amino acid with similar properties. This amino acid position is not well conserved in available vertebrate species. In addition, this alteration is predicted to be tolerated by in silico analysis. Since supporting evidence is limited at this time, the clinical significance of this alteration remains unclear.

Labcorp Genetics (formerly Invitae), Labcorp
Classification: Uncertain significance for Carney complex, type 1. Last evaluated: 2025-03-23. Review status: criteria provided, single submitter. Criteria: Invitae Variant Classification Sherloc (09022015). Collection method: clinical testing. Allele origin: germline.
Comment: This sequence change replaces alanine, which is neutral and non-polar, with threonine, which is neutral and polar, at codon 8 of the PRKAR1A protein (p.Ala8Thr). This variant is not present in population databases (gnomAD no frequency). This variant has not been reported in the literature in individuals affected with PRKAR1A-related conditions. ClinVar contains an entry for this variant (Variation ID: 949669). Invitae Evidence Modeling of protein sequence and biophysical properties (such as structural, functional, and spatial information, amino acid conservation, physicochemical variation, residue mobility, and thermodynamic stability) indicates that this missense variant is not expected to disrupt PRKAR1A protein function with a negative predictive value of 95%. In summary, the available evidence is currently insufficient to determine the role of this variant in disease. Therefore, it has been classified as a Variant of Uncertain Significance.

NM_002734.5(PRKAR1A):c.22G>A (p.Ala8Thr)

Gene: PRKAR1A (protein kinase cAMP-dependent type I regulatory subunit alpha; plus strand). Cytogenetic location: 17q24.2.
Variant type: single nucleotide variant.
Coding change: c.22G>A on transcript NM_002734.5 (MANE Select); coding-DNA position 22, G replaced by A.
Protein change: p.Ala8Thr; replaces alanine 8 with threonine.
Molecular consequence: missense variant.
Genome position (GRCh38, 1-based): chr17:68,515,421, G>A. VCF-style: chr17-68515421-G-A. GRCh37 (hg19) VCF-style: chr17-66511562-G-A.
Other names: c.22G>A, p.Ala8Thr (NM_001276289.2, NM_001276290.1, NM_001278433.2 and 4 more transcripts); short protein forms A8T.
Identifiers: ClinVar variation 949669 (VCV000949669.13), dbSNP rs1224297486, ClinGen allele CA400751798.